The following is an entry in ClinVar:

ClinVar aggregate classification (germline): Uncertain significance (1 of 4 stars; one submission).

Conditions:
Hereditary sensory and autonomic neuropathy type 6. Also called: Neuropathy, hereditary sensory and autonomic, type VI; HSAN VI. Identifiers: Orphanet 314381, MedGen C3539003, MONDO:0013839, OMIM 614653.
Epidermolysis bullosa simplex 3, localized or generalized intermediate, with BP230 deficiency (EBS3). Also called: Epidermolysis bullosa simplex due to BP230 deficiency; Epidermolysis bullosa simplex, autosomal recessive 2. Identifiers: Orphanet 412181, MedGen C3809470, MONDO:0014180, OMIM 615425.

gnomAD v4.1: 6 of 1,613,852 alleles (0.00037%); highest among the groups gnomAD compares: Non-Finnish European, 0.00051%; no homozygotes.

Submission:

Labcorp Genetics (formerly Invitae), Labcorp
Classification: Uncertain significance for Epidermolysis bullosa simplex 3, localized or generalized intermediate, with BP230 deficiency; Hereditary sensory and autonomic neuropathy type 6. Last evaluated: 2021-12-10. Review status: criteria provided, single submitter. Criteria: Invitae Variant Classification Sherloc (09022015). Collection method: clinical testing. Allele origin: germline.
Comment: The DST gene has multiple clinically relevant transcripts. This variant occurs in alternate transcript NM_015548.4, and corresponds to NM_001723.5:c.*63029T>C in the primary transcript. This sequence change replaces leucine, which is neutral and non-polar, with proline, which is neutral and non-polar, at codon 2812 of the DST protein (p.Leu2812Pro). This variant is not present in population databases (gnomAD no frequency). This variant has not been reported in the literature in individuals affected with DST-related conditions. Experimental studies and prediction algorithms are not available or were not evaluated, and the functional significance of this variant is currently unknown. In summary, the available evidence is currently insufficient to determine the role of this variant in disease. Therefore, it has been classified as a Variant of Uncertain Significance.

NM_001374736.1(DST):c.16304T>C (p.Leu5435Pro)

Gene: DST (dystonin; minus strand). Cytogenetic location: 6p12.1.
Variant type: single nucleotide variant.
Coding change: c.16304T>C on transcript NM_001374736.1 (MANE Select); coding-DNA position 16304, T replaced by C.
Protein change: p.Leu5435Pro; replaces leucine 5435 with proline.
Molecular consequence: missense variant.
Genome position (GRCh38, 1-based): chr6:56,552,488, A>G on the plus strand (T>C on the coding strand, the complement: DST is on the minus strand). VCF-style: chr6-56552488-A-G. GRCh37 (hg19) VCF-style: chr6-56417286-A-G.
Other names: c.8435T>C (NM_015548.4); c.9947T>C, p.Leu3316Pro (NM_001144769.5); c.9533T>C, p.Leu3178Pro (NM_001144770.2); c.16304T>C, p.Leu5435Pro (NM_001374722.1); c.15671T>C, p.Leu5224Pro (NM_001374729.1); c.9413T>C, p.Leu3138Pro (NM_001374730.1, NM_001386100.1, NM_183380.4); c.16331T>C, p.Leu5444Pro (NM_001374734.1); c.8435T>C, p.Leu2812Pro (NM_015548.5); short protein forms L5224P, L5435P, L3316P, L2812P, L3138P, L3178P, L5444P.
Identifiers: ClinVar variation 1447528 (VCV001447528.8), dbSNP rs2097341184, ClinGen allele CA364513905.
Genomic context (GRCh38, chr6:56,552,488, plus strand): 5'-GTTTCTTCTGTGGCTAACATCATCTTGCAGGTTTTATTGGCATTGTCATTGCTTGCCATG[A>G]GGGCTTCTAGTTTCTTTAGAAAGGCTTTTATAGTTTCCTTTTGCTTTTGCAATGTTTCTG-3'
Protein context (NP_001361665.1, residues 5425-5445): IKAFLKKLEA[Leu5435Pro]MASNDNANKT